The following is an entry in ClinVar:

ClinVar aggregate classification (germline): Uncertain significance (1 of 4 stars; one submission).

Submission:

Labcorp Genetics (formerly Invitae), Labcorp
Classification: Uncertain significance. Last evaluated: 2021-11-23. Review status: criteria provided, single submitter. Criteria: Invitae Variant Classification Sherloc (09022015). Collection method: clinical testing. Allele origin: germline.
Comment: In summary, the available evidence is currently insufficient to determine the role of this variant in disease. Therefore, it has been classified as a Variant of Uncertain Significance. Variants that disrupt the consensus splice site are a relatively common cause of aberrant splicing (PMID: 17576681, 9536098). Algorithms developed to predict the effect of sequence changes on RNA splicing suggest that this variant is not likely to affect RNA splicing. This variant has not been reported in the literature in individuals affected with UNC80-related conditions. This variant is not present in population databases (gnomAD no frequency). This sequence change falls in intron 2 of the UNC80 gene. It does not directly change the encoded amino acid sequence of the UNC80 protein. It affects a nucleotide within the consensus splice site.

Literature cited by the submitters: PubMed 17576681; PubMed 9536098.

NM_001371986.1(UNC80):c.142-3C>T

Gene: UNC80 (unc-80 subunit of NALCN channel complex; plus strand). Cytogenetic location: 2q34.
Variant type: single nucleotide variant.
Coding change: c.142-3C>T on transcript NM_001371986.1 (MANE Select); 3 bases into the intron before coding-DNA position 142, C replaced by T.
Molecular consequence: intron variant.
Genome position (GRCh38, 1-based): chr2:209,775,886, C>T. VCF-style: chr2-209775886-C-T. GRCh37 (hg19) VCF-style: chr2-210640610-C-T.
Other names: c.142-3C>T (NM_032504.2, NM_182587.4).
Identifiers: ClinVar variation 1446495 (VCV001446495.6), dbSNP rs2153824558, ClinGen allele CA2573135236.
Genomic context (GRCh38, chr2:209,775,886, plus strand): 5'-TTTCTTAGTTTACGTGGTTTTGGATTTTGGCTTTTCTTATTGTTTTTGTTTTTGTATTTA[C>T]AGTCCTTTGAGCGAGTGTTGGTAGAAAACAAGCTGCATGGCCTCTCTCCAGCTCTCTCTG-3'